The following is an entry in ClinVar:

NM_000038.6(APC):c.7395_7396dup (p.Ser2466fs)

Gene: APC (APC regulator of Wnt signaling pathway; plus strand). Cytogenetic location: 5q22.2.
Variant type: Duplication.
Coding change: c.7395_7396dup on transcript NM_000038.6 (MANE Select); coding-DNA positions 7395 to 7396, 2 bases duplicated (TT; older notation c.7395_7396dupTT).
Protein change: p.Ser2466fs; shifts the reading frame from serine 2466.
Molecular consequence: frameshift variant.
Genome position (GRCh38, 1-based): chr5:112,842,989-112,842,990, TT duplicated; duplicating any 2 consecutive bases within chr5:112,842,988-112,842,990 gives the same sequence; the c. name uses the placement nearest the transcript's 3' end. VCF-style (leftmost placement, unchanged base first): chr5-112842987-C-CTT. GRCh37 (hg19) VCF-style: chr5-112178684-C-CTT.
Other names: c.7395_7396dup, p.Ser2466fs (NM_001127510.3, NM_001354895.2); c.7341_7342dup, p.Ser2448fs (NM_001127511.3); c.7449_7450dup, p.Ser2484fs (NM_001354896.2); c.7425_7426dup, p.Ser2476fs (NM_001354897.2); c.7320_7321dup, p.Ser2441fs (NM_001354898.2); c.7311_7312dup, p.Ser2438fs (NM_001354899.2); c.7272_7273dup, p.Ser2425fs (NM_001354900.2); c.7218_7219dup, p.Ser2407fs (NM_001354901.2); and 16 more; short protein forms S2183fs, S2476fs, S2484fs, S2306fs, S2340fs, S2375fs, S2407fs, S2466fs.
Identifiers: ClinVar variation 2087481 (VCV002087481.5), dbSNP rs2533790094, ClinGen allele CA2580072376.

ClinVar aggregate classification (germline): Pathogenic. Review status: criteria provided, multiple submitters, no conflicts (2 of 4 stars). 2 submissions from 2 submitters: Pathogenic (2). Last evaluated 2023-05-16.

Conditions:
Familial adenomatous polyposis 1 (FAP1). Also called: POLYPOSIS, ADENOMATOUS INTESTINAL; FAMILIAL ADENOMATOUS POLYPOSIS 1, ATTENUATED. Identifiers: MedGen C2713442, MONDO:0021056, OMIM 175100. Disease mechanism: loss of function.

Submissions (2):

Myriad Genetics, Inc.
Classification: Pathogenic for Familial adenomatous polyposis 1. Last evaluated: 2023-05-16. Review status: criteria provided, single submitter. Criteria: Myriad Autosomal Dominant, Autosomal Recessive and X-Linked Classification Criteria (2023). Collection method: clinical testing. Allele origin: unknown.
Comment: This variant is considered pathogenic. This variant creates a frameshift predicted to result in premature protein truncation.

Labcorp Genetics (formerly Invitae), Labcorp
Classification: Pathogenic for Familial adenomatous polyposis 1. Last evaluated: 2022-03-22. Review status: criteria provided, single submitter. Criteria: Invitae Variant Classification Sherloc (09022015). Collection method: clinical testing. Allele origin: germline.
Comment: For these reasons, this variant has been classified as Pathogenic. This variant is expected to disrupt the EB1 and HDLG binding sites, which mediate interactions with the cytoskeleton (PMID: 15311282, 17293347). While functional studies have not been performed to directly test the effect on APC protein function, this suggests that disruption of the C-terminal portion of the protein is functionally important. A different truncation (p.Tyr2645Lysfs*14) that lies downstream of this variant has been determined to be pathogenic (PMID: 9824584, 1316610, 27081525, 8381579, 22135120, Invitae). This suggests that deletion of this region of the APC protein is causative of disease. This sequence change creates a premature translational stop signal (p.Ser2466Phefs*20) in the APC gene. While this is not anticipated to result in nonsense mediated decay, it is expected to disrupt the last 378 amino acid(s) of the APC protein. This variant is not present in population databases (gnomAD no frequency). This variant has not been reported in the literature in individuals affected with APC-related conditions.

Literature cited by the submitters: PubMed 15311282 (cited by Labcorp Genetics (formerly Invitae), Labcorp); PubMed 17293347 (cited by Labcorp Genetics (formerly Invitae), Labcorp); PubMed 9824584 (cited by Labcorp Genetics (formerly Invitae), Labcorp); PubMed 1316610 (cited by Labcorp Genetics (formerly Invitae), Labcorp); PubMed 27081525 (cited by Labcorp Genetics (formerly Invitae), Labcorp); PubMed 8381579 (cited by Labcorp Genetics (formerly Invitae), Labcorp); PubMed 22135120 (cited by Labcorp Genetics (formerly Invitae), Labcorp).